The following is an entry in ClinVar:

ClinVar aggregate classification (germline): Uncertain significance. Review status: criteria provided, multiple submitters, no conflicts (2 of 4 stars). 2 submissions from 2 submitters: Uncertain significance (2). Last evaluated 2025-10-24.

Conditions:
Inborn genetic diseases. Identifiers: MedGen C0950123, MeSH D030342.
Neuronal ceroid lipofuscinosis 13 (CLN13). Also called: CEROID LIPOFUSCINOSIS, NEURONAL, 13 (KUFS TYPE); CLN13 Disease. Identifiers: Orphanet 352709, Orphanet 79262, MedGen C3715049, MONDO:0014147, OMIM 615362.

Allele frequency attached by ClinVar (database versions not stated): gnomAD exomes 0.00003; gnomAD 0.00004; TOPMed 0.00003.
gnomAD v4.1: 39 of 1,305,840 alleles (0.003%); highest among the groups gnomAD compares: Admixed American, 0.0084%; no homozygotes.

Submissions (2):

Ambry Genetics
Classification: Uncertain significance for Inborn genetic diseases. Last evaluated: 2025-10-24. Review status: criteria provided, single submitter. Criteria: Ambry Variant Classification Scheme 2023. Collection method: clinical testing. Allele origin: germline.

Labcorp Genetics (formerly Invitae), Labcorp
Classification: Uncertain significance for Neuronal ceroid lipofuscinosis 13. Last evaluated: 2022-04-16. Review status: criteria provided, single submitter. Criteria: Invitae Variant Classification Sherloc (09022015). Collection method: clinical testing. Allele origin: germline.
Comment: This sequence change replaces phenylalanine, which is neutral and non-polar, with leucine, which is neutral and non-polar, at codon 45 of the CTSF protein (p.Phe45Leu). This variant is not present in population databases (gnomAD no frequency). This variant has not been reported in the literature in individuals affected with CTSF-related conditions. Algorithms developed to predict the effect of missense changes on protein structure and function (SIFT, PolyPhen-2, Align-GVGD) all suggest that this variant is likely to be tolerated. In summary, the available evidence is currently insufficient to determine the role of this variant in disease. Therefore, it has been classified as a Variant of Uncertain Significance.

NM_003793.4(CTSF):c.133T>C (p.Phe45Leu)

Gene: CTSF (cathepsin F; minus strand). Cytogenetic location: 11q13.2.
Variant type: single nucleotide variant.
Coding change: c.133T>C on transcript NM_003793.4 (MANE Select); coding-DNA position 133, T replaced by C.
Protein change: p.Phe45Leu; replaces phenylalanine 45 with leucine.
Molecular consequence: missense variant.
Genome position (GRCh38, 1-based): chr11:66,568,354, A>G on the plus strand (T>C on the coding strand, the complement: CTSF is on the minus strand). VCF-style: chr11-66568354-A-G. GRCh37 (hg19) VCF-style: chr11-66335825-A-G.
Other names: c.133T>C (NM_003793.3); short protein forms F45L.
Identifiers: ClinVar variation 1990582 (VCV001990582.4), dbSNP rs1332760939, ClinGen allele CA381468281.